The following is an entry in ClinVar:

NM_000135.4(FANCA):c.4300G>A (p.Ala1434Thr)

Genes: ZNF276 (zinc finger protein 276; plus strand), FANCA (FA complementation group A; minus strand). Cytogenetic location: 16q24.3.
Variant type: single nucleotide variant.
Coding change: c.4300G>A on transcript NM_000135.4 (MANE Select); coding-DNA position 4300, G replaced by A.
Protein change: p.Ala1434Thr; replaces alanine 1434 with threonine.
Molecular consequence: missense variant. On other transcripts: 3 prime UTR variant (3), non-coding transcript variant (4).
Genome position (GRCh38, 1-based): chr16:89,738,669, C>T on the plus strand (G>A on the coding strand, the complement: FANCA is on the minus strand). VCF-style: chr16-89738669-C-T. GRCh37 (hg19) VCF-style: chr16-89805077-C-T.
Other names: c.*29G>A (NM_001286167.3); c.*423C>T (NM_001113525.2, NM_152287.4); c.4300G>A (NM_000135.3); short protein forms A1434T.
Identifiers: ClinVar variation 969882 (VCV000969882.17), dbSNP rs374984587, ClinGen allele CA8250583.
Genomic context (GRCh38, chr16:89,738,669, plus strand): 5'-GATGAGGCTCCTGGGACAGGTCAGCGTCAGGGGCAGCCTGCTGTCTGCTCTGGAGGGCGG[C>T]GCTCACCTCTGGGTCGCAGTCCCCACGATCAGCCAGCAGCTGTGAGAGAGGAGCAGGTCC-3'
Protein context (NP_000126.2, residues 1424-1444): DRGDCDPEVS[Ala1434Thr]ALQSRQQAAP

ClinVar aggregate classification (germline): Conflicting classifications of pathogenicity. Review status: criteria provided, conflicting classifications (1 of 4 stars). 6 submissions from 6 submitters: Uncertain significance (4); Likely benign (1). 1 of the submissions does not count toward it. Last evaluated 2025-10-25.

Conditions:
Fanconi anemia complementation group A (FANCA). Also called: FANCA-Related Fanconi Anemia; Fanconi anemia, group A. Identifiers: Orphanet 84, MedGen C3469521, MONDO:0009215, OMIM 227650.
Fanconi anemia (FA). Also called: Fanconi's anemia. Identifiers: Orphanet 84, MedGen C0015625, MeSH D005199, MONDO:0019391.

Allele frequency attached by ClinVar (database versions not stated): gnomAD exomes 0.00004 and 0.00008; ExAC 0.00006; gnomAD 0.00006; TOPMed 0.00006; ESP Exome Variant Server 0.00008.
gnomAD v4.1: 127 of 1,613,328 alleles (0.0079%); highest among the groups gnomAD compares: Non-Finnish European, 0.0096%; 1 homozygote.

Submissions (6):

Labcorp Genetics (formerly Invitae), Labcorp
Classification: Likely benign for Fanconi anemia. Last evaluated: 2025-10-25. Review status: criteria provided, single submitter. Criteria: Invitae Variant Classification Sherloc (09022015). Collection method: clinical testing. Allele origin: germline.

Quest Diagnostics Nichols Institute San Juan Capistrano
Classification: Uncertain significance. Last evaluated: 2024-07-18. Review status: criteria provided, single submitter. Criteria: Quest Diagnostics criteria. Collection method: clinical testing. Allele origin: unknown.
Comment: The FANCA c.4300G>A (p.Ala1434Thr) variant has been reported in the published literature as a somatic variant in an individual with lung cancer (PMID: 35273153 (2022)). The frequency of this variant in the general population, 0.00016 (5/30608 chromosomes (Genome Aggregation Database)), is uninformative in the assessment of its pathogenicity. Analysis of this variant using bioinformatics tools for the prediction of the effect of amino acid changes on protein structure and function yielded predictions that this variant is benign. Based on the available information, we are unable to determine the clinical significance of this variant.

Fulgent Genetics
Classification: Uncertain significance for Fanconi anemia complementation group A. Last evaluated: 2024-02-16. Review status: criteria provided, single submitter. Criteria: ACMG Guidelines, 2015. Collection method: clinical testing. Allele origin: germline.

St. Jude Molecular Pathology, St. Jude Children's Research Hospital
Classification: Uncertain significance for Fanconi anemia. Last evaluated: 2021-11-04. Review status: criteria provided, single submitter. Criteria: St. Jude Assertion Criteria 2020. Collection method: clinical testing. Allele origin: germline.
Comment: The FANCA c.4300G>A (p.Ala1434Thr) missense change has a maximum subpopulation frequency of 0.016% in gnomAD v2.1.1. Six of seven in silico tools predict a benign effect of this variant on protein function (BP4), but to our knowledge these predictions have not been confirmed by functional assays. To our knowledge, this variant has not been reported in individuals with Fanconi anemia. In summary, this variant meets criteria to be classified as of uncertain significance based on the ACMG/AMP criteria: BP4.

Genome-Nilou Lab
Classification: Uncertain significance for Fanconi anemia complementation group A. Last evaluated: 2021-07-22. Review status: criteria provided, single submitter. Criteria: ACMG Guidelines, 2015. Collection method: clinical testing. Allele origin: germline. Affected: no.

Natera, Inc.
Classification: Uncertain significance for Fanconi anemia. Last evaluated: 2020-02-21. Review status: no assertion criteria provided. Collection method: clinical testing. Allele origin: germline. Not counted in ClinVar's aggregate classification.

Literature cited by the submitters: PubMed 35273153 (cited by Quest Diagnostics Nichols Institute San Juan Capistrano).